The following is an entry in ClinVar:

ClinVar aggregate classification (germline): Conflicting classifications of pathogenicity. Review status: criteria provided, conflicting classifications (1 of 4 stars). 17 submissions from 17 submitters: Uncertain significance (11); Benign (2); Likely benign (3). 1 of the submissions does not count toward it. Last evaluated 2026-01-26.

Conditions:
Inherited prostate cancer.
MSH6-related disorder. Also called: MSH6-related condition; MSH6-Related disorders.
Hereditary nonpolyposis colorectal neoplasms. Identifiers: MedGen C0009405, MeSH D003123.
Hereditary cancer-predisposing syndrome. Also called: Neoplastic Syndromes, Hereditary; Tumor predisposition; Hereditary Cancer Syndrome; Hereditary neoplastic syndrome. Identifiers: Orphanet 140162, MedGen C0027672, MeSH D009386, MONDO:0015356.
Lynch syndrome. Identifiers: Orphanet 144, MedGen C4552100, MONDO:0005835. Disease mechanism: loss of function.
Lynch syndrome 5 (LYNCH5). Also called: Hereditary non-polyposis colorectal cancer, type 5; Colorectal cancer, hereditary nonpolyposis, type 5. Identifiers: Orphanet 144, MedGen C1833477, MONDO:0013710, OMIM 614350. Disease mechanism: loss of function.
Malignant tumor of breast. Also called: Cancer breast; Malignant breast neoplasm. Identifiers: MedGen C0006142, MONDO:0007254. Disease mechanism: loss of function.

Allele frequency attached by ClinVar (database versions not stated): ExAC 0.00002; gnomAD exomes 0.00002; gnomAD 0.00005 and 0.00010; TOPMed 0.00005.

Submissions 1 to 11 of 17:

Cambridge Genomics Laboratory, East Genomic Laboratory Hub, NHS Genomic Medicine Service
Classification: Uncertain significance for Inherited prostate cancer. Last evaluated: 2026-01-26. Review status: criteria provided, single submitter. Criteria: ACGS Best Practice Guidelines for Variant Classification in Rare Disease 2020. Collection method: clinical testing. Allele origin: germline. Affected: yes.
Comment: BP4

Labcorp Genetics (formerly Invitae), Labcorp
Classification: Benign for Hereditary nonpolyposis colorectal neoplasms. Last evaluated: 2025-12-19. Review status: criteria provided, single submitter. Criteria: Invitae Variant Classification Sherloc (09022015). Collection method: clinical testing. Allele origin: germline.

Women's Health and Genetics/Laboratory Corporation of America, LabCorp
Classification: Likely benign. Last evaluated: 2025-10-27. Review status: criteria provided, single submitter. Criteria: LabCorp Variant Classification Summary - May 2015. Collection method: clinical testing. Allele origin: germline.
Comment: Variant summary: MSH6 c.335A>G (p.Asn112Ser) results in a conservative amino acid change located in the PWWP domain of the encoded protein sequence. Algorithms developed to predict the effect of missense changes on protein structure and function are either unavailable or do not agree on the potential impact of this missense change. The variant allele was found at a frequency of 1.6e-05 in 251490 control chromosomes. c.335A>G has been observed in individuals affected with Breast Cancer, Biliary tract cancer and Skin cancer, without strong evidence for causality, as well as in unaffected controls (e.g., Hu_GM_2022, Okawa_JH_2023, Singh_PLoSO_2020, Dorling_2021). These reports do not provide unequivocal conclusions about association of the variant with Hereditary Nonpolyposis Colorectal Cancer. The variant has been reported in the literature as a germline variant in two breast invasive carcinoma samples from The Cancer Genome Atlas; in one sample co-occurring with a germline pathogenic variant (ATM c.5932G>T, p.Glu1978X) (Yehia_2018), additional co-occurrences with other pathogenic variants have also been reported (MLH1 c.116+2T>C, UMD database; MLH1 c.1489dupC, p.Arg497ProfsX6, LabCorp internal database), providing supporting evidence for a benign role. To our knowledge, no experimental evidence demonstrating an impact on protein function has been reported. The following publications have been ascertained in the context of this evaluation (PMID: 36169650, 35449176, 36243179, 32634176, 29684080, 33471991). ClinVar contains an entry for this variant (Variation ID: 127586). Based on the evidence outlined above, the variant was classified as likely benign.

Color Diagnostics, LLC DBA Color Health
Classification: Likely benign for Hereditary cancer-predisposing syndrome. Last evaluated: 2025-01-21. Review status: criteria provided, single submitter. Criteria: ACMG Guidelines, 2015. Collection method: clinical testing. Allele origin: germline.

Myriad Genetics, Inc.
Classification: Benign for Lynch syndrome 5. Last evaluated: 2024-12-18. Review status: criteria provided, single submitter. Criteria: Myriad Autosomal Dominant, Autosomal Recessive and X-Linked Classification Criteria (2023). Collection method: clinical testing. Allele origin: unknown.
Comment: This variant is considered benign. This variant is strongly associated with less severe personal and family histories of cancer, typical for individuals without pathogenic variants in this gene [PMID: 27363726]. Homozygosity for this variant has been confirmed in one or more individuals lacking clinical features consistent with gene-specific recessive disease, indicating that this variant is unlikely to be pathogenic.

PreventionGenetics, part of Exact Sciences
Classification: Uncertain significance for MSH6-related condition. Last evaluated: 2024-12-13. Review status: criteria provided, single submitter. Criteria: ACMG Guidelines, 2015. Collection method: clinical testing. Allele origin: germline.
Comment: The MSH6 c.335A>G variant is predicted to result in the amino acid substitution p.Asn112Ser. This variant was reported in an individual with Endometrial cancer (Singh et al 2020. PubMed ID: 32634176). This variant is reported in 0.0080% of alleles in individuals of African descent in gnomAD and is interpreted as uncertain in ClinVar. At this time, the clinical significance of this variant is uncertain due to the absence of conclusive functional and genetic evidence.

Quest Diagnostics Nichols Institute San Juan Capistrano
Classification: Uncertain significance. Last evaluated: 2024-11-07. Review status: criteria provided, single submitter. Criteria: Quest Diagnostics criteria. Collection method: clinical testing. Allele origin: unknown.
Comment: The MSH6 c.335A>G (p.Asn112Ser) variant has been reported in the published literature in individuals with endometrial cancer (PMID: 32634176 (2020), 31307542 (2019)), ovarian cancer (PMID: 36169650 (2022)), breast cancer (PMID: 35449176 (2022), 33471991 (2021), see also LOVD), as well as in reportedly healthy individuals (PMID: 36243179 (2022), 33471991 (2021), see also LOVD). The frequency of this variant in the general population, 0.000031 (4/129198 chromosomes (Genome Aggregation Database)), is uninformative in the assessment of its pathogenicity. Analysis of this variant using bioinformatics tools for the prediction of the effect of amino acid changes on protein structure and function yielded predictions that this variant is benign. Based on the available information, we are unable to determine the clinical significance of this variant.

GeneDx
Classification: Uncertain significance. Last evaluated: 2024-08-02. Review status: criteria provided, single submitter. Criteria: GeneDx Variant Classification Process June 2021. Collection method: clinical testing. Allele origin: germline. Affected: yes.
Comment: In silico analysis indicates that this missense variant does not alter protein structure/function; Observed in individuals with endometrial, breast, or ovarian cancer, but also in unaffected controls (PMID: 29684080, 31307542, 32634176, 33471991, 36169650, 35449176); This variant is associated with the following publications: (PMID: 28292439, 23729658, 33471991, 32634176, 35449176, 36169650, 29684080, 36243179, 31422818, 31307542)

All of Us Research Program, National Institutes of Health
Classification: Uncertain significance for Lynch syndrome. Last evaluated: 2024-06-11. Review status: criteria provided, single submitter. Criteria: ACMG Guidelines, 2015. Collection method: clinical testing. Allele origin: germline. Inheritance: Autosomal dominant inheritance. Observed: 21 variant alleles, 21 heterozygotes.
Comment: This missense variant replaces asparagine with serine at codon 112 of the MSH6 protein. Computational prediction suggests that this variant may not impact protein structure and function (internally defined REVEL score threshold <= 0.5, PMID: 27666373). To our knowledge, functional studies have not been performed for this variant. This variant has been reported in an individual affected with mismatch DNA repair proficient endometrial cancer (PMID: 31307542) and several individuals affected with breast cancer (PMID: 29684080, 33471991; Lovejoy, et al. 2018). This variant has been identified in 7/282896 chromosomes in the general population by the Genome Aggregation Database (gnomAD). The available evidence is insufficient to determine the role of this variant in disease conclusively. Therefore, this variant is classified as a Variant of Uncertain Significance.

This study involves interpretation of variants in research participants for the purpose of population health screening. Participant phenotype was not available at the time of variant classification. Additional details can be found in publication PMID: 35346344, PMCID: PMC8962531

Institute for Biomarker Research, Medical Diagnostic Laboratories, L.L.C.
Classification: Uncertain significance for Hereditary cancer-predisposing syndrome. Last evaluated: 2024-03-05. Review status: criteria provided, single submitter. Criteria: ACMG Guidelines, 2015. Collection method: clinical testing. Allele origin: germline.

Neuberg Centre For Genomic Medicine, NCGM
Classification: Uncertain significance for Lynch syndrome 5. Last evaluated: 2023-05-20. Review status: criteria provided, single submitter. Criteria: ACMG Guidelines, 2015. Collection method: clinical testing. Allele origin: germline. Inheritance: Autosomal dominant inheritance. Affected: yes.
Comment: The observed missense variant c.335A>G (p.Asn112Ser) in MSH6 gene has been reported previously in individuals affected with Lynch syndrome (Singh et al. 2020; Lasota et al. 2020). The p.Asn112Ser variant is present with an allele frequency of 0.002% in gnomAD exomes database. This variant has been submitted to the ClinVar database as Benign / Likely Benign / Uncertain Significance (multiple submissions). Computational evidence (SIFT - tolerated; Polyphen - benign; MutationTaster - disease causing) predicts conflicting effect on protein structure and function for this variant. The amino acid change p.Asn112Ser in MSH6 is predicted as conserved by GERP++ and PhyloP across 100 vertebrates. The amino acid Asn at position 112 is changed to a Ser changing protein sequence and it might alter its composition and physico-chemical properties. For these reasons, this variant has been classified as a Variant of Uncertain Significance (VUS).

NM_000179.3(MSH6):c.335A>G (p.Asn112Ser)

Gene: MSH6 (mutS homolog 6; plus strand). Cytogenetic location: 2p16.3.
Variant type: single nucleotide variant.
Coding change: c.335A>G on transcript NM_000179.3 (MANE Select); coding-DNA position 335, A replaced by G.
Protein change: p.Asn112Ser; replaces asparagine 112 with serine.
Molecular consequence: missense variant. On other transcripts: 5 prime UTR variant (2), intron variant (1).
Genome position (GRCh38, 1-based): chr2:47,791,001, A>G. VCF-style: chr2-47791001-A-G. GRCh37 (hg19) VCF-style: chr2-48018140-A-G.
Other names: p.N112S:AAC>AGC; c.-402A>G (NM_001281493.2); c.-568A>G (NM_001281494.2); c.237+7531A>G (NM_001281492.2); short protein forms N112S.
Identifiers: ClinVar variation 127586 (VCV000127586.43), dbSNP rs587779934, ClinGen allele CA012677.